The following is an entry in ClinVar:

NM_145117.5(NAV2):c.6181+7G>T

Gene: NAV2 (neuron navigator 2; plus strand). Cytogenetic location: 11p15.1.
Variant type: single nucleotide variant.
Coding change: c.6181+7G>T on transcript NM_145117.5 (MANE Select); 7 bases into the intron after coding-DNA position 6181, G replaced by T.
Molecular consequence: intron variant.
Genome position (GRCh38, 1-based): chr11:20,097,752, G>T. VCF-style: chr11-20097752-G-T. GRCh37 (hg19) VCF-style: chr11-20119298-G-T.
Other names: c.5989+7G>T (NM_001111018.2); c.6358+7G>T (NM_001244963.2, NM_001244963.1); c.6190+7G>T (NM_182964.6); c.3373+7G>T (NM_001111019.3).
Identifiers: ClinVar variation 1280532 (VCV001280532.4), dbSNP rs2289564, ClinGen allele CA5919286.

ClinVar aggregate classification (germline): Benign. Review status: criteria provided, multiple submitters, no conflicts (2 of 4 stars). 3 submissions from 3 submitters: Benign (2). 1 of the submissions does not count toward it. Last evaluated 2019-05-01.

Conditions:
NAV2-related disorder. Also called: NAV2-related condition.

Allele frequency attached by ClinVar (database versions not stated): ESP Exome Variant Server 0.15270; gnomAD 0.15671 and 0.16526; gnomAD exomes 0.18269 and 0.20117; 1000 Genomes Project 30x 0.19800; ExAC 0.20360; 1000 Genomes Project 0.20747.
gnomAD v4.1: 283,893 of 1,570,762 alleles (18%); highest among the groups gnomAD compares: South Asian, 38%; 28,611 homozygotes.

Submissions (3):

GeneDx
Classification: Benign. Last evaluated: 2019-05-01. Review status: criteria provided, single submitter. Criteria: GeneDx Variant Classification Process June 2021. Collection method: clinical testing. Allele origin: germline. Affected: yes.

Breakthrough Genomics
Classification: Benign. Review status: criteria provided, single submitter. Criteria: ACMG Guidelines, 2015. Collection method: not provided. Allele origin: germline. Inheritance: Unknown mechanism. Affected: yes.

PreventionGenetics, part of Exact Sciences
Classification: Benign for NAV2-related condition. Last evaluated: 2019-11-20. Review status: no assertion criteria provided. Collection method: clinical testing. Allele origin: germline. Not counted in ClinVar's aggregate classification.
Comment: This variant is classified as benign based on ACMG/AMP sequence variant interpretation guidelines (Richards et al. 2015 PMID: 25741868, with internal and published modifications).